The following is an entry in ClinVar:

ClinVar aggregate classification (germline): Uncertain significance (1 of 4 stars; one submission).

Allele frequency attached by ClinVar (database versions not stated): gnomAD 0.00001; gnomAD exomes 0.00001.

Submission:

Labcorp Genetics (formerly Invitae), Labcorp
Classification: Uncertain significance. Last evaluated: 2022-05-25. Review status: criteria provided, single submitter. Criteria: Invitae Variant Classification Sherloc (09022015). Collection method: clinical testing. Allele origin: germline.
Comment: In summary, the available evidence is currently insufficient to determine the role of this variant in disease. Therefore, it has been classified as a Variant of Uncertain Significance. Algorithms developed to predict the effect of missense changes on protein structure and function output the following: SIFT: "Not Available"; PolyPhen-2: "Benign"; Align-GVGD: "Not Available". The alanine amino acid residue is found in multiple mammalian species, which suggests that this missense change does not adversely affect protein function. This variant has not been reported in the literature in individuals affected with KCNK4-related conditions. This variant is present in population databases (no rsID available, gnomAD 0.009%). This sequence change replaces serine, which is neutral and polar, with alanine, which is neutral and non-polar, at codon 19 of the KCNK4 protein (p.Ser19Ala).

NM_033310.3(KCNK4):c.55T>G (p.Ser19Ala)

Genes: KCNK4 (potassium two pore domain channel subfamily K member 4; plus strand), KCNK4-CATSPERZ (KCNK4-CATSPERZ readthrough (NMD candidate); plus strand). Cytogenetic location: 11q13.1.
Variant type: single nucleotide variant.
Coding change: c.55T>G on transcript NM_033310.3 (MANE Select); coding-DNA position 55, T replaced by G.
Protein change: p.Ser19Ala; replaces serine 19 with alanine.
Molecular consequence: missense variant. On other transcripts: non-coding transcript variant (2).
Genome position (GRCh38, 1-based): chr11:64,293,073, T>G. VCF-style: chr11-64293073-T-G. GRCh37 (hg19) VCF-style: chr11-64060545-T-G.
Other names: c.55T>G, p.Ser19Ala (NM_001317090.2, NM_033311.1); short protein forms S19A.
Identifiers: ClinVar variation 1909319 (VCV001909319.5), dbSNP rs1284935705, ClinGen allele CA381158203.